The following is an entry in ClinVar:

NM_014855.3(AP5Z1):c.656C>G (p.Ala219Gly)

Gene: AP5Z1 (adaptor related protein complex 5 subunit zeta 1; plus strand). Cytogenetic location: 7p22.1.
Variant type: single nucleotide variant.
Coding change: c.656C>G on transcript NM_014855.3 (MANE Select); coding-DNA position 656, C replaced by G.
Protein change: p.Ala219Gly; replaces alanine 219 with glycine.
Molecular consequence: missense variant. On other transcripts: non-coding transcript variant (1).
Genome position (GRCh38, 1-based): chr7:4,784,237, C>G. VCF-style: chr7-4784237-C-G. GRCh37 (hg19) VCF-style: chr7-4823868-C-G.
Other names: c.188C>G, p.Ala63Gly (NM_001364858.1); short protein forms A219G, A63G.
Identifiers: ClinVar variation 1509764 (VCV001509764.8), dbSNP rs767507147, ClinGen allele CA4137308.

ClinVar aggregate classification (germline): Uncertain significance (1 of 4 stars; one submission).

Conditions:
Hereditary spastic paraplegia 48. Also called: SPASTIC PARAPLEGIA 48, AUTOSOMAL RECESSIVE; Spastic paraplegia 48. Identifiers: Orphanet 306511, MedGen C3150901, MONDO:0013342, OMIM 613647.

Allele frequency attached by ClinVar (database versions not stated): TOPMed 0.00002; gnomAD 0.00003 and 0.00004; ExAC 0.00005.

Submission:

Labcorp Genetics (formerly Invitae), Labcorp
Classification: Uncertain significance for Hereditary spastic paraplegia 48. Last evaluated: 2024-10-23. Review status: criteria provided, single submitter. Criteria: Invitae Variant Classification Sherloc (09022015). Collection method: clinical testing. Allele origin: germline.
Comment: This sequence change replaces alanine, which is neutral and non-polar, with glycine, which is neutral and non-polar, at codon 219 of the AP5Z1 protein (p.Ala219Gly). This variant is present in population databases (rs767507147, gnomAD 0.007%). This variant has not been reported in the literature in individuals affected with AP5Z1-related conditions. ClinVar contains an entry for this variant (Variation ID: 1509764). Invitae Evidence Modeling of protein sequence and biophysical properties (such as structural, functional, and spatial information, amino acid conservation, physicochemical variation, residue mobility, and thermodynamic stability) indicates that this missense variant is expected to disrupt AP5Z1 protein function with a positive predictive value of 80%. In summary, the available evidence is currently insufficient to determine the role of this variant in disease. Therefore, it has been classified as a Variant of Uncertain Significance.